The following is an entry in ClinVar:

ClinVar aggregate classification (germline): Likely pathogenic (1 of 4 stars; one submission).

Submission:

Labcorp Genetics (formerly Invitae), Labcorp
Classification: Likely pathogenic. Last evaluated: 2023-10-05. Review status: criteria provided, single submitter. Criteria: Invitae Variant Classification Sherloc (09022015). Collection method: clinical testing. Allele origin: germline.
Comment: This sequence change affects an acceptor splice site in intron 7 of the ABHD12 gene. It is expected to disrupt RNA splicing. Variants that disrupt the donor or acceptor splice site typically lead to a loss of protein function (PMID: 16199547), and loss-of-function variants in ABHD12 are known to be pathogenic (PMID: 20797687). This variant is not present in population databases (gnomAD no frequency). This variant has not been reported in the literature in individuals affected with ABHD12-related conditions. Algorithms developed to predict the effect of sequence changes on RNA splicing suggest that this variant may disrupt the consensus splice site. In summary, the currently available evidence indicates that the variant is pathogenic, but additional data are needed to prove that conclusively. Therefore, this variant has been classified as Likely Pathogenic.

Literature cited by the submitters: PubMed 16199547; PubMed 20797687.

NM_001042472.3(ABHD12):c.750-2A>G

Gene: ABHD12 (abhydrolase domain containing 12, lysophospholipase; minus strand). Cytogenetic location: 20p11.21.
Variant type: single nucleotide variant.
Coding change: c.750-2A>G on transcript NM_001042472.3 (MANE Select); the canonical splice acceptor site of the intron before coding-DNA position 750, A replaced by G.
Molecular consequence: splice acceptor variant.
Genome position (GRCh38, 1-based): chr20:25,308,496, T>C on the plus strand (A>G on the coding strand, the complement: ABHD12 is on the minus strand). VCF-style: chr20-25308496-T-C. GRCh37 (hg19) VCF-style: chr20-25289132-T-C.
Other names: c.750-2A>G (NM_015600.5).
Identifiers: ClinVar variation 2966969 (VCV002966969.3), dbSNP rs2515770212, ClinGen allele CA408456048.